The following is an entry in ClinVar:

ClinVar aggregate classification (germline): Uncertain significance (1 of 4 stars; one submission).

gnomAD v4.1: 1 of 1,612,192 alleles (0.000062%); highest among the groups gnomAD compares: East Asian, 0.0022%; no homozygotes.

Submission:

Labcorp Genetics (formerly Invitae), Labcorp
Classification: Uncertain significance. Last evaluated: 2023-11-10. Review status: criteria provided, single submitter. Criteria: Invitae Variant Classification Sherloc (09022015). Collection method: clinical testing. Allele origin: germline.
Comment: This sequence change replaces arginine, which is basic and polar, with leucine, which is neutral and non-polar, at codon 409 of the KRT17 protein (p.Arg409Leu). This variant is not present in population databases (gnomAD no frequency). This variant has not been reported in the literature in individuals affected with KRT17-related conditions. Advanced modeling of protein sequence and biophysical properties (such as structural, functional, and spatial information, amino acid conservation, physicochemical variation, residue mobility, and thermodynamic stability) performed at Invitae indicates that this missense variant is not expected to disrupt KRT17 protein function with a negative predictive value of 80%. In summary, the available evidence is currently insufficient to determine the role of this variant in disease. Therefore, it has been classified as a Variant of Uncertain Significance.

NM_000422.3(KRT17):c.1226G>T (p.Arg409Leu)

Gene: KRT17 (keratin 17; minus strand). Cytogenetic location: 17q21.2.
Variant type: single nucleotide variant.
Coding change: c.1226G>T on transcript NM_000422.3 (MANE Select); coding-DNA position 1226, G replaced by T.
Protein change: p.Arg409Leu; replaces arginine 409 with leucine.
Molecular consequence: missense variant.
Genome position (GRCh38, 1-based): chr17:41,619,667, C>A on the plus strand (G>T on the coding strand, the complement: KRT17 is on the minus strand). VCF-style: chr17-41619667-C-A. GRCh37 (hg19) VCF-style: chr17-39775919-C-A.
Other names: short protein forms R409L.
Identifiers: ClinVar variation 2798739 (VCV002798739.3), dbSNP rs754301737, ClinGen allele CA399500520.
Genomic context (GRCh38, chr17:41,619,667, plus strand): 5'-TGGTGGACCTGCTCGCGGGAGGAGATGACCTTGCCATCCTGGACCTCTTCCACAATGGTA[C>A]GCACCTGACGGGTGGTCACCGCTGCAGGAGAAGCAGGCAATTTAAAGTGGGTAGGGGCCA-3'
Protein context (NP_000413.1, residues 399-419): KKEPVTTRQV[Arg409Leu]TIVEEVQDGK